The following is an entry in ClinVar:

NM_001077365.2(POMT1):c.111G>A (p.Pro37=)

Gene: POMT1 (protein O-mannosyltransferase 1; plus strand). Cytogenetic location: 9q34.13.
Variant type: single nucleotide variant.
Coding change: c.111G>A on transcript NM_001077365.2 (MANE Select); coding-DNA position 111, G replaced by A.
Protein change: p.Pro37=; no amino-acid change (proline 37 retained).
Molecular consequence: synonymous variant. On other transcripts: 5 prime UTR variant (4), non-coding transcript variant (4), intron variant (9).
Genome position (GRCh38, 1-based): chr9:131,504,329, G>A. VCF-style: chr9-131504329-G-A. GRCh37 (hg19) VCF-style: chr9-134379716-G-A.
Other names: c.111G>A, p.Pro37= (NM_001136113.2, NM_001353193.2, NM_001353196.2 and 2 more transcripts); c.-134G>A (NM_001353195.2); c.-361G>A (NM_001353198.2); c.-83G>A (NM_001374692.1); c.-41G>A (NM_001374695.1); c.-41+1016G>A (NM_001353194.2); c.-72+1016G>A (NM_001374691.1); c.-41+1256G>A (NM_001374689.1, NM_001353197.2, NM_001077366.2 and 1 more transcripts); and 2 more.
Identifiers: ClinVar variation 671763 (VCV000671763.10), dbSNP rs761641734, ClinGen allele CA467421593.

ClinVar aggregate classification (germline): Likely benign. Review status: criteria provided, multiple submitters, no conflicts (2 of 4 stars). 2 submissions from 2 submitters: Likely benign (2). Last evaluated 2024-05-06.

Conditions:
Muscular dystrophy-dystroglycanopathy (congenital with impaired intellectual development), type B, 1. Also called: Muscular dystrophy-dystroglycanopathy (congenital with intellectual disability), type B1; MUSCULAR DYSTROPHY, CONGENITAL, POMT1-RELATED. Identifiers: MedGen C5436962, MONDO:0013159, OMIM 613155.
Autosomal recessive limb-girdle muscular dystrophy type 2K. Also called: MUSCULAR DYSTROPHY-DYSTROGLYCANOPATHY (LIMB-GIRDLE), TYPE C, 1; MUSCULAR DYSTROPHY, LIMB-GIRDLE, TYPE 2K. Identifiers: Orphanet 86812, MedGen C1836373, MONDO:0012248, OMIM 609308.
Walker-Warburg congenital muscular dystrophy. Also called: Muscular dystrophy-dystroglycanopathy, type A; Walker-Warburg syndrome. Identifiers: Orphanet 899, MedGen C0265221, MONDO:0000171.

Allele frequency attached by ClinVar (database versions not stated): TOPMed 0.00002.
gnomAD v4.1: 9 of 1,614,096 alleles (0.00056%); highest among the groups gnomAD compares: Non-Finnish European, 0.00068%; no homozygotes.

Submissions (2):

Labcorp Genetics (formerly Invitae), Labcorp
Classification: Likely benign for Muscular dystrophy-dystroglycanopathy (congenital with impaired intellectual development), type B, 1; Walker-Warburg congenital muscular dystrophy; Autosomal recessive limb-girdle muscular dystrophy type 2K. Last evaluated: 2024-05-06. Review status: criteria provided, single submitter. Criteria: Invitae Variant Classification Sherloc (09022015). Collection method: clinical testing. Allele origin: germline.

GeneDx
Classification: Likely benign. Last evaluated: 2018-06-18. Review status: criteria provided, single submitter. Criteria: GeneDx Variant Classification (06012015). Collection method: clinical testing. Allele origin: germline. Affected: yes.
Comment: This variant is considered likely benign or benign based on one or more of the following criteria: it is a conservative change, it occurs at a poorly conserved position in the protein, it is predicted to be benign by multiple in silico algorithms, and/or has population frequency not consistent with disease.